The following is an entry in ClinVar:

NM_014915.3(ANKRD26):c.3824A>C (p.Asp1275Ala)

Gene: ANKRD26 (ankyrin repeat domain 26; minus strand). Cytogenetic location: 10p12.1.
Variant type: single nucleotide variant.
Coding change: c.3824A>C on transcript NM_014915.3 (MANE Select); coding-DNA position 3824, A replaced by C.
Protein change: p.Asp1275Ala; replaces aspartic acid 1275 with alanine.
Molecular consequence: missense variant.
Genome position (GRCh38, 1-based): chr10:27,029,340, T>G on the plus strand (A>C on the coding strand, the complement: ANKRD26 is on the minus strand). VCF-style: chr10-27029340-T-G. GRCh37 (hg19) VCF-style: chr10-27318269-T-G.
Other names: c.3821A>C, p.Asp1274Ala (NM_001256053.2); short protein forms D1274A, D1275A.
Identifiers: ClinVar variation 4860087 (VCV004860087.1).

ClinVar aggregate classification (germline): Uncertain significance (1 of 4 stars; one submission).

Conditions:
Inborn genetic diseases. Identifiers: MedGen C0950123, MeSH D030342.

Submission:

Ambry Genetics
Classification: Uncertain significance for Inborn genetic diseases. Last evaluated: 2026-06-14. Review status: criteria provided, single submitter. Criteria: Ambry Variant Classification Scheme 2023. Collection method: clinical testing. Allele origin: germline.
Comment: The p.D1275A variant (also known as c.3824A>C), located in coding exon 26 of the ANKRD26 gene, results from an A to C substitution at nucleotide position 3824. The aspartic acid at codon 1275 is replaced by alanine, an amino acid with dissimilar properties. This amino acid position is conserved. In addition, this alteration is predicted to be tolerated by in silico analysis. Based on the available evidence, the clinical significance of this variant remains unclear.